The following is an entry in ClinVar:

ClinVar aggregate classification (germline): Pathogenic. Review status: criteria provided, multiple submitters, no conflicts (2 of 4 stars). 4 submissions from 4 submitters: Pathogenic (4). Last evaluated 2026-04-01.

Conditions:
Retinal dystrophy. Also called: Inherited retinal dystrophy. Identifiers: Orphanet 71862, MedGen C0854723, MeSH D058499, MONDO:0019118, HP:0000556.

Allele frequency attached by ClinVar (database versions not stated): gnomAD exomes below 0.00001; ExAC 0.00001.

Submissions (4):

CeGaT Center for Human Genetics Tuebingen
Classification: Pathogenic. Last evaluated: 2026-04-01. Review status: criteria provided, single submitter. Criteria: CeGaT Center For Human Genetics Tuebingen Variant Classification Criteria Version 2. Collection method: clinical testing. Allele origin: germline. Affected: yes. Observed: 3 variant alleles.
Comment: CNGB3: PVS1, PM2, PM3

Ophthalmic Genetics Group, Institute of Molecular and Clinical Ophthalmology Basel
Classification: Pathogenic for Retinal dystrophy. Last evaluated: 2024-05-27. Review status: criteria provided, single submitter. Criteria: ACMG Guidelines, 2015. Collection method: research. Allele origin: germline. Affected: yes. Observed: 2 variant alleles.
Comment: This variant was classified as Pathogenic based on ACMG criteria: PVS1_very strong, PM2_mod, PP5_sup and PP1_strong

Labcorp Genetics (formerly Invitae), Labcorp
Classification: Pathogenic. Last evaluated: 2023-11-07. Review status: criteria provided, single submitter. Criteria: Invitae Variant Classification Sherloc (09022015). Collection method: clinical testing. Allele origin: germline.
Comment: This sequence change creates a premature translational stop signal (p.Phe525*) in the CNGB3 gene. It is expected to result in an absent or disrupted protein product. Loss-of-function variants in CNGB3 are known to be pathogenic (PMID: 28795510). This variant is present in population databases (rs749179501, gnomAD 0.003%). This premature translational stop signal has been observed in individual(s) with CNGB3-related conditions (PMID: 31877759). It has also been observed to segregate with disease in related individuals. For these reasons, this variant has been classified as Pathogenic.

Institute of Human Genetics, Univ. Regensburg, Univ. Regensburg
Classification: Pathogenic for Retinal dystrophy. Last evaluated: 2017-01-01. Review status: criteria provided, single submitter. Criteria: ACMG Guidelines, 2015. Collection method: clinical testing. Allele origin: germline. Affected: yes.

Literature cited by the submitters: PubMed 40180963 (cited by Ophthalmic Genetics Group, Institute of Molecular and Clinical Ophthalmology Basel); PubMed 28795510 (cited by Labcorp Genetics (formerly Invitae), Labcorp); PubMed 31877759 (cited by Labcorp Genetics (formerly Invitae), Labcorp and Institute of Human Genetics, Univ. Regensburg, Univ. Regensburg).

NM_019098.5(CNGB3):c.1574_1575del (p.Leu524_Phe525insTer)

Gene: CNGB3 (cyclic nucleotide gated channel subunit beta 3; minus strand). Cytogenetic location: 8q21.3.
Variant type: Deletion.
Coding change: c.1574_1575del on transcript NM_019098.5 (MANE Select); coding-DNA positions 1574 to 1575, 2 bases deleted (TC; older notation c.1574_1575delTC).
Protein change: p.Leu524_Phe525insTer.
Molecular consequence: nonsense.
Genome position (GRCh38, 1-based): chr8:86,625,986-86,625,987, GA deleted on the plus strand (TC on the coding strand, the reverse complement: CNGB3 is on the minus strand). VCF-style (leftmost placement, unchanged base first): chr8-86625985-TGA-T. GRCh37 (hg19) VCF-style: chr8-87638213-TGA-T.
Other names: NP_061971.3:p.(Phe525Ter).
Identifiers: ClinVar variation 2972616 (VCV002972616.12), dbSNP rs749179501, ClinGen allele CA4799980.
Genomic context (GRCh38, chr8:86,625,985, plus strand): 5'-AGAGCTTAGATTCCATAGAGAAATAGATACAGAGTCTATTAATTGTAAAAGCACTTGCCT[TGA>T]ACAAGTCGACTTTGCTGATGATGCTGAAGTTCACATCAATGGCGAGGGCTAACTGGACCG-3'